The following is an entry in ClinVar:

NM_017679.5(BCAS3):c.109G>T (p.Val37Leu)

Gene: BCAS3 (BCAS3 microtubule associated cell migration factor; plus strand). Cytogenetic location: 17q23.2.
Variant type: single nucleotide variant.
Coding change: c.109G>T on transcript NM_017679.5 (MANE Select); coding-DNA position 109, G replaced by T.
Protein change: p.Val37Leu; replaces valine 37 with leucine.
Molecular consequence: missense variant.
Genome position (GRCh38, 1-based): chr17:60,684,007, G>T. VCF-style: chr17-60684007-G-T. GRCh37 (hg19) VCF-style: chr17-58761368-G-T.
Other names: c.109G>T, p.Val37Leu (NM_001099432.3, NM_001320470.3, NM_001330413.2 and 4 more transcripts); short protein forms V37L.
Identifiers: ClinVar variation 5002117 (VCV005002117.1).

ClinVar aggregate classification (germline): Uncertain significance (1 of 4 stars; one submission).

Conditions:
BCAS3-related disorder. Also called: BCAS3-related condition.

Submission:

PreventionGenetics, part of Exact Sciences
Classification: Uncertain significance for BCAS3-related condition. Last evaluated: 2025-07-15. Review status: criteria provided, single submitter. Criteria: ACMG Guidelines, 2015. Collection method: clinical testing. Allele origin: germline.
Comment: The BCAS3 c.109G>T variant is predicted to result in the amino acid substitution p.Val37Leu. To our knowledge, this variant has not been reported in the literature or in a large population database (gnomAD), indicating this variant is rare. At this time, the clinical significance of this variant is uncertain due to the absence of conclusive functional and genetic evidence.